The following is an entry in ClinVar:

NM_000059.4(BRCA2):c.8576A>G (p.Gln2859Arg)

Gene: BRCA2 (BRCA2 DNA repair associated; plus strand). Cytogenetic location: 13q13.1.
Variant type: single nucleotide variant.
Coding change: c.8576A>G on transcript NM_000059.4 (MANE Select); coding-DNA position 8576, A replaced by G.
Protein change: p.Gln2859Arg; replaces glutamine 2859 with arginine.
Molecular consequence: missense variant. On other transcripts: non-coding transcript variant (1).
Genome position (GRCh38, 1-based): chr13:32,371,044, A>G. VCF-style: chr13-32371044-A-G. GRCh37 (hg19) VCF-style: chr13-32945181-A-G.
Other names: c.8480A>G, p.Gln2827Arg (NM_001406719.1); c.8576A>G, p.Gln2859Arg (NM_001406720.1); c.3644A>G, p.Gln1215Arg (NM_001406721.1); c.2159A>G, p.Gln720Arg (NM_001406722.1); short protein forms Q1215R, Q2827R, Q2859R, Q720R.
Identifiers: ClinVar variation 2576474 (VCV002576474.4), dbSNP rs2137600613, ClinGen allele CA387752826.

ClinVar aggregate classification (germline): Uncertain significance. Review status: criteria provided, multiple submitters, no conflicts (2 of 4 stars). 3 submissions from 3 submitters: Uncertain significance (3). Last evaluated 2025-03-04.

Conditions:
Hereditary cancer-predisposing syndrome. Also called: Tumor predisposition; Hereditary neoplastic syndrome; Neoplastic Syndromes, Hereditary; Hereditary Cancer Syndrome. Identifiers: Orphanet 140162, MedGen C0027672, MeSH D009386, MONDO:0015356.
Familial cancer of breast. Also called: Hereditary breast cancer; BREAST CANCER, FAMILIAL; hereditary breast carcinoma. Identifiers: Orphanet 227535, MedGen C0346153, MONDO:0016419, OMIM 114480. Disease mechanism: loss of function.

Submissions (3):

Center for Genomic Medicine, Rigshospitalet, Copenhagen University Hospital
Classification: Uncertain significance. Last evaluated: 2025-03-04. Review status: criteria provided, single submitter. Criteria: ACMG Guidelines, 2015. Collection method: clinical testing. Allele origin: germline.

Ambry Genetics
Classification: Uncertain significance for Hereditary cancer-predisposing syndrome. Last evaluated: 2024-12-19. Review status: criteria provided, single submitter. Criteria: Ambry Variant Classification Scheme 2023. Collection method: clinical testing. Allele origin: germline.
Comment: The p.Q2859R variant (also known as c.8576A>G), located in coding exon 19 of the BRCA2 gene, results from an A to G substitution at nucleotide position 8576. The glutamine at codon 2859 is replaced by arginine, an amino acid with highly similar properties. This variant was identified in an individual diagnosed with breast cancer (Apessos A et al. Cancer Genet 2018 Jan;220:1-12). This amino acid position is well conserved in available vertebrate species. In addition, the in silico prediction for this alteration is inconclusive. Based on the available evidence, the clinical significance of this variant remains unclear.

Baylor Genetics
Classification: Uncertain significance for Familial cancer of breast. Last evaluated: 2024-02-26. Review status: criteria provided, single submitter. Criteria: ACMG Guidelines, 2015. Collection method: clinical testing. Allele origin: unknown.

Literature cited by the submitters: PubMed 29310832 (cited by Center for Genomic Medicine, Rigshospitalet, Copenhagen University Hospital and Ambry Genetics).